The following is an entry in ClinVar:

NM_001038.6(SCNN1A):c.-55+5G>C

Genes: LTBR (lymphotoxin beta receptor; plus strand), SCNN1A (sodium channel epithelial 1 subunit alpha; minus strand). Cytogenetic location: 12p13.31.
Variant type: single nucleotide variant.
Coding change: c.-55+5G>C on transcript NM_001038.6 (MANE Select); 5 bases into the intron after 55 bases upstream of the start codon, G replaced by C.
Molecular consequence: intron variant. On other transcripts: 5 prime UTR variant (2).
Genome position (GRCh38, 1-based): chr12:6,375,500, C>G on the plus strand (G>C on the coding strand, the complement: SCNN1A is on the minus strand). VCF-style: chr12-6375500-C-G. GRCh37 (hg19) VCF-style: chr12-6484666-C-G.
Other names: NC_000012.11:g.6484666C>G; c.-56C>G (NM_001270987.2, NM_001414309.1); c.16-663G>C (NM_001159575.2).
Identifiers: ClinVar variation 310157 (VCV000310157.16), dbSNP rs13306617, ClinGen allele CA10633465.
Genomic context (GRCh38, chr12:6,375,500, plus strand): 5'-GCGGCTGGACTGGGACTGGTTCCTTTCCAGTTGAATCTGGCAGCCAAACCTCTCCTCCCC[C>G]TCACCTGACAGGTGCAGCGGCCTGGCTGGGGAGCCCGCCCGCTGGCCGGCCAGGGATGGA-3'

ClinVar aggregate classification (germline): Benign/Likely benign. Review status: criteria provided, multiple submitters, no conflicts (2 of 4 stars). 7 submissions from 6 submitters: Benign (5); Likely benign (1). 1 of the submissions does not count toward it. Last evaluated 2025-03-04.

Conditions:
Bronchiectasis with or without elevated sweat chloride 2 (BESC2). Identifiers: Orphanet 60033, MedGen C2751666, MONDO:0013087, OMIM 613021.
SCNN1A-related disorder. Also called: SCNN1A-related disorders; SCNN1A-related condition.
Pseudohypoaldosteronism, type IB1, autosomal recessive. Also called: Autosomal recessive pseudohypoaldosteronism type 1; Pseudohypoaldosteronism, Type I, Recessive; PHA I, AUTOSOMAL RECESSIVE; Pseudohypoaldosteronism, Type I, Autosomal Recessive. Identifiers: Orphanet 171876, Orphanet 756, MedGen C5774176, MONDO:0009917, OMIM 264350.

Allele frequency attached by ClinVar (database versions not stated): TOPMed 0.02900; gnomAD 0.03104; 1000 Genomes Project 0.05671; 1000 Genomes Project 30x 0.05731.
gnomAD v4.1: 20,306 of 1,535,550 alleles (1.3%); highest among the groups gnomAD compares: East Asian, 15%; 827 homozygotes.

Submissions (19):

Center for Genomic Medicine, Rigshospitalet, Copenhagen University Hospital
Classification: Benign. Last evaluated: 2025-03-04. Review status: criteria provided, single submitter. Criteria: ACMG Guidelines, 2015. Collection method: clinical testing. Allele origin: germline.

Blueprint Genetics
Classification: Likely benign. Last evaluated: 2024-11-27. Review status: criteria provided, single submitter. Criteria: ACMG Guidelines, 2015. Collection method: clinical testing. Allele origin: germline.

GeneDx
Classification: Benign. Last evaluated: 2018-09-06. Review status: criteria provided, single submitter. Criteria: GeneDx Variant Classification Process June 2021. Collection method: clinical testing. Allele origin: germline. Affected: yes.
Comment: This variant is associated with the following publications: (PMID: 19462466)

Illumina Laboratory Services, Illumina
Classification: Benign for Pseudohypoaldosteronism, type IB1, autosomal recessive. Last evaluated: 2018-01-12. Review status: criteria provided, single submitter. Criteria: ICSL Variant Classification Criteria 13 December 2019. Collection method: clinical testing. Allele origin: germline.
Comment: This variant was observed in the ICSL laboratory as part of a predisposition screen in an ostensibly healthy population. It had not been previously curated by ICSL or reported in the Human Gene Mutation Database (HGMD: prior to June 1st, 2018), and was therefore a candidate for classification through an automated scoring system. Utilizing variant allele frequency, disease prevalence and penetrance estimates, and inheritance mode, an automated score was calculated to assess if this variant is too frequent to cause the disease. Based on the score and internal cut-off values, a variant classified as benign is not then subjected to further curation. The score for this variant resulted in a classification of benign for this disease.

Illumina Laboratory Services, Illumina
Classification: Benign for Bronchiectasis with or without elevated sweat chloride 2. Last evaluated: 2018-01-12. Review status: criteria provided, single submitter. Criteria: ICSL Variant Classification Criteria 13 December 2019. Collection method: clinical testing. Allele origin: germline.
Comment: the same text as in the submission from Illumina Laboratory Services, Illumina above.

Breakthrough Genomics
Classification: Benign. Review status: criteria provided, single submitter. Criteria: ACMG Guidelines, 2015. Collection method: not provided. Allele origin: germline. Inheritance: Autosomal recessive inheritance. Affected: yes.

PreventionGenetics, part of Exact Sciences
Classification: Benign for SCNN1A-related condition. Last evaluated: 2019-05-22. Review status: no assertion criteria provided. Collection method: clinical testing. Allele origin: germline. Not counted in ClinVar's aggregate classification.
Comment: This variant is classified as benign based on ACMG/AMP sequence variant interpretation guidelines (Richards et al. 2015 PMID: 25741868, with internal and published modifications).

Dr. Peter K. Rogan Lab, Western University
No classification provided (evidence only). Condition: Uterine corpus endometrial carcinoma. Review status: no classification provided. Collection method: in vitro. Allele origin: not applicable. Functional consequence: retained intron. Not counted in ClinVar's aggregate classification.

Dr. Peter K. Rogan Lab, Western University
No classification provided (evidence only). Condition: Ovarian serous cystadenocarcinoma. Review status: no classification provided. Collection method: in vitro. Allele origin: not applicable. Functional consequence: retained intron. Not counted in ClinVar's aggregate classification.

Dr. Peter K. Rogan Lab, Western University
No classification provided (evidence only). Condition: Ovarian serous cystadenocarcinoma. Review status: no classification provided. Collection method: in vitro. Allele origin: not applicable. Functional consequence: retained intron. Not counted in ClinVar's aggregate classification.

Dr. Peter K. Rogan Lab, Western University
No classification provided (evidence only). Condition: Ovarian serous cystadenocarcinoma. Review status: no classification provided. Collection method: in vitro. Allele origin: not applicable. Functional consequence: retained intron. Not counted in ClinVar's aggregate classification.

Dr. Peter K. Rogan Lab, Western University
No classification provided (evidence only). Condition: Ovarian serous cystadenocarcinoma. Review status: no classification provided. Collection method: in vitro. Allele origin: not applicable. Functional consequence: retained intron. Not counted in ClinVar's aggregate classification.

Dr. Peter K. Rogan Lab, Western University
No classification provided (evidence only). Condition: Ovarian serous cystadenocarcinoma. Review status: no classification provided. Collection method: in vitro. Allele origin: not applicable. Functional consequence: retained intron. Not counted in ClinVar's aggregate classification.

Dr. Peter K. Rogan Lab, Western University
No classification provided (evidence only). Condition: Ovarian serous cystadenocarcinoma. Review status: no classification provided. Collection method: in vitro. Allele origin: not applicable. Functional consequence: retained intron. Not counted in ClinVar's aggregate classification.

Dr. Peter K. Rogan Lab, Western University
No classification provided (evidence only). Condition: Ovarian serous cystadenocarcinoma. Review status: no classification provided. Collection method: in vitro. Allele origin: not applicable. Functional consequence: retained intron. Not counted in ClinVar's aggregate classification.

Dr. Peter K. Rogan Lab, Western University
No classification provided (evidence only). Condition: Ovarian serous cystadenocarcinoma. Review status: no classification provided. Collection method: in vitro. Allele origin: not applicable. Functional consequence: retained intron. Not counted in ClinVar's aggregate classification.

Dr. Peter K. Rogan Lab, Western University
No classification provided (evidence only). Condition: Ovarian serous cystadenocarcinoma. Review status: no classification provided. Collection method: in vitro. Allele origin: not applicable. Functional consequence: retained intron. Not counted in ClinVar's aggregate classification.

Dr. Peter K. Rogan Lab, Western University
No classification provided (evidence only). Condition: Ovarian serous cystadenocarcinoma. Review status: no classification provided. Collection method: in vitro. Allele origin: not applicable. Functional consequence: retained intron. Not counted in ClinVar's aggregate classification.

Dr. Peter K. Rogan Lab, Western University
No classification provided (evidence only). Condition: Gastric cancer. Review status: no classification provided. Collection method: in vitro. Allele origin: not applicable. Functional consequence: retained intron. Not counted in ClinVar's aggregate classification.